The following is an entry in ClinVar:

NM_001035.3(RYR2):c.13301A>C (p.Glu4434Ala)

Gene: RYR2 (ryanodine receptor 2; plus strand). Cytogenetic location: 1q43.
Variant type: single nucleotide variant.
Coding change: c.13301A>C on transcript NM_001035.3 (MANE Select); coding-DNA position 13301, A replaced by C.
Protein change: p.Glu4434Ala; replaces glutamic acid 4434 with alanine.
Molecular consequence: missense variant.
Genome position (GRCh38, 1-based): chr1:237,786,009, A>C. VCF-style: chr1-237786009-A-C. GRCh37 (hg19) VCF-style: chr1-237949309-A-C.
Other names: c.13301A>C (NM_001035.2); short protein forms E4434A.
Identifiers: ClinVar variation 923413 (VCV000923413.11), dbSNP rs771286329, ClinGen allele CA085333.

ClinVar aggregate classification (germline): Conflicting classifications of pathogenicity. Review status: criteria provided, conflicting classifications (1 of 4 stars). 5 submissions from 5 submitters: Uncertain significance (4); Likely benign (1). Last evaluated 2026-06-25.

Conditions:
Catecholaminergic polymorphic ventricular tachycardia (CVPT). Also called: Catecholamine-induced polymorphic ventricular tachycardia. Identifiers: Orphanet 3286, MedGen C5574922, MONDO:0017990.
Catecholaminergic polymorphic ventricular tachycardia 1. Also called: RYR2-Related Catecholaminergic Polymorphic Ventricular Tachycardia; VENTRICULAR TACHYCARDIA, STRESS-INDUCED POLYMORPHIC 1; VENTRICULAR TACHYCARDIA, CATECHOLAMINERGIC POLYMORPHIC, 1, WITH OR WITHOUT ATRIAL DYSFUNCTION AND/OR DILATED CARDIOMYOPATHY. Identifiers: Orphanet 3286, MedGen C1631597, MONDO:0011484, OMIM 604772.
RYR2-related disorder. Also called: RYR2-related condition.
Cardiovascular phenotype. Identifiers: MedGen CN230736.
Cardiomyopathy (CMYO). Also called: Cardiomyopathies. Identifiers: Orphanet 167848, MedGen C0878544, MONDO:0004994, HP:0001638. Inheritance: Various modes of inheritance.

Allele frequency attached by ClinVar (database versions not stated): ExAC 0.00002; gnomAD exomes below 0.00001; TOPMed below 0.00001; gnomAD 0.00001.
gnomAD v4.1: 4 of 1,591,638 alleles (0.00025%); highest among the groups gnomAD compares: East Asian, 0.0045%; no homozygotes.

Submissions (5):

PreventionGenetics, part of Exact Sciences
Classification: Uncertain significance for RYR2-related condition. Last evaluated: 2026-06-25. Review status: criteria provided, single submitter. Criteria: ACMG Guidelines, 2015. Collection method: clinical testing. Allele origin: germline.
Comment: The RYR2 c.13301A>C variant is predicted to result in the amino acid substitution p.Glu4434Ala. To our knowledge, this variant has not been reported in the literature. This variant is reported in 0.0064% of alleles in individuals of East Asian descent in gnomAD. At this time, the clinical significance of this variant is uncertain due to the absence of conclusive functional and genetic evidence.

Labcorp Genetics (formerly Invitae), Labcorp
Classification: Likely benign for Catecholaminergic polymorphic ventricular tachycardia 1. Last evaluated: 2025-11-22. Review status: criteria provided, single submitter. Criteria: Invitae Variant Classification Sherloc (09022015). Collection method: clinical testing. Allele origin: germline.

All of Us Research Program, National Institutes of Health
Classification: Uncertain significance for Catecholaminergic polymorphic ventricular tachycardia. Last evaluated: 2024-09-23. Review status: criteria provided, single submitter. Criteria: ACMG Guidelines, 2015. Collection method: clinical testing. Allele origin: germline. Inheritance: Autosomal dominant inheritance. Observed: 2 variant alleles, 2 heterozygotes.
Comment: Variant of Uncertain Significance due to insufficient evidence: This missense variant replaces glutamic acid with alanine at codon 4434 of the RYR2 protein. Computational prediction tools and conservation analyses suggest that this variant may have deleterious impact on the protein function. Computational splicing tools suggest that this variant may not impact RNA splicing. To our knowledge, functional assays have not been performed for this variant nor has this variant been reported in individuals affected with cardiovascular disorders in the literature. This variant has been identified in 1/208376 chromosomes in the general population by the Genome Aggregation Database (gnomAD). Available evidence is insufficient to determine the role of this variant in disease conclusively.

This study involves interpretation of variants in research participants for the purpose of population health screening. Participant phenotype was not available at the time of variant classification. Additional details can be found in publication PMID: 35346344, PMCID: PMC8962531

Color Diagnostics, LLC DBA Color Health
Classification: Uncertain significance for Cardiomyopathy. Last evaluated: 2024-03-06. Review status: criteria provided, single submitter. Criteria: ACMG Guidelines, 2015. Collection method: clinical testing. Allele origin: germline.
Comment: This missense variant replaces glutamic acid with alanine at codon 4434 of the RYR2 protein. Computational prediction suggests that this variant may not impact protein structure and function (internally defined REVEL score threshold <= 0.5, PMID: 27666373). To our knowledge, functional studies have not been reported for this variant. This variant has not been reported in individuals affected with RYR2-related disorders in the literature. This variant has been identified in 1/211582 chromosomes in the general population by the Genome Aggregation Database (gnomAD). The available evidence is insufficient to determine the role of this variant in disease conclusively. Therefore, this variant is classified as a Variant of Uncertain Significance.

Ambry Genetics
Classification: Uncertain significance for Cardiovascular phenotype. Last evaluated: 2023-10-26. Review status: criteria provided, single submitter. Criteria: Ambry Variant Classification Scheme 2023. Collection method: clinical testing. Allele origin: germline.
Comment: The p.E4434A variant (also known as c.13301A>C), located in coding exon 91 of the RYR2 gene, results from an A to C substitution at nucleotide position 13301. The glutamic acid at codon 4434 is replaced by alanine, an amino acid with dissimilar properties. This amino acid position is well conserved in available vertebrate species. In addition, the in silico prediction for this alteration is inconclusive. Since supporting evidence is limited at this time, the clinical significance of this alteration remains unclear.